The following is an entry in ClinVar:

NM_031955.6(SPATA16):c.675C>T (p.Ser225=)

Gene: SPATA16 (spermatogenesis associated 16; minus strand). Cytogenetic location: 3q26.31.
Variant type: single nucleotide variant.
Coding change: c.675C>T on transcript NM_031955.6 (MANE Select); coding-DNA position 675, C replaced by T.
Protein change: p.Ser225=; no amino-acid change (serine 225 retained).
Molecular consequence: synonymous variant.
Genome position (GRCh38, 1-based): chr3:173,049,032, G>A on the plus strand (C>T on the coding strand, the complement: SPATA16 is on the minus strand). VCF-style: chr3-173049032-G-A. GRCh37 (hg19) VCF-style: chr3-172766822-G-A.
Other names: NC_000003.11:g.172766822G>A.
Identifiers: ClinVar variation 344216 (VCV000344216.8), dbSNP rs508508, ClinGen allele CA2708297.

ClinVar aggregate classification (germline): Benign. Review status: criteria provided, multiple submitters, no conflicts (2 of 4 stars). 3 submissions from 3 submitters: Benign (3). Last evaluated 2018-11-12.

Conditions:
Spermatogenic failure 6 (SPGF6). Also called: ROUND-HEADED SPERMATOZOA; ACROSOME MALFORMATION OF SPERMATOZOA. Identifiers: Orphanet 171709, MedGen C4225503, MONDO:0007060, OMIM 102530.

Allele frequency attached by ClinVar (database versions not stated): gnomAD exomes 0.14950 and 0.15648; ExAC 0.15818; 1000 Genomes Project 30x 0.16974; 1000 Genomes Project 0.17153; TOPMed 0.17402; gnomAD 0.17469 and 0.17696; ESP Exome Variant Server 0.17484.
gnomAD v4.1: 244,626 of 1,613,374 alleles (15%); highest among the groups gnomAD compares: African/African-American, 23%; 19,351 homozygotes.

Submissions (8):

GeneDx
Classification: Benign. Last evaluated: 2018-11-12. Review status: criteria provided, single submitter. Criteria: GeneDx Variant Classification Process June 2021. Collection method: clinical testing. Allele origin: germline. Affected: yes.

Illumina Laboratory Services, Illumina
Classification: Benign for Spermatogenic failure 6. Last evaluated: 2018-01-13. Review status: criteria provided, single submitter. Criteria: ICSL Variant Classification Criteria 13 December 2019. Collection method: clinical testing. Allele origin: germline.
Comment: This variant was observed in the ICSL laboratory as part of a predisposition screen in an ostensibly healthy population. It had not been previously curated by ICSL or reported in the Human Gene Mutation Database (HGMD: prior to June 1st, 2018), and was therefore a candidate for classification through an automated scoring system. Utilizing variant allele frequency, disease prevalence and penetrance estimates, and inheritance mode, an automated score was calculated to assess if this variant is too frequent to cause the disease. Based on the score and internal cut-off values, a variant classified as benign is not then subjected to further curation. The score for this variant resulted in a classification of benign for this disease.

Breakthrough Genomics
Classification: Benign. Review status: criteria provided, single submitter. Criteria: ACMG Guidelines, 2015. Collection method: not provided. Allele origin: germline. Inheritance: Autosomal recessive inheritance. Affected: yes.

Dr. Peter K. Rogan Lab, Western University
No classification provided (evidence only). Condition: Colorectal cancer. Review status: no classification provided. Collection method: in vitro. Allele origin: not applicable. Functional consequence: retained intron. Not counted in ClinVar's aggregate classification.

Dr. Peter K. Rogan Lab, Western University
No classification provided (evidence only). Condition: Malignant lymphoma, large B-cell, diffuse. Review status: no classification provided. Collection method: in vitro. Allele origin: not applicable. Functional consequence: retained intron. Not counted in ClinVar's aggregate classification.

Dr. Peter K. Rogan Lab, Western University
No classification provided (evidence only). Condition: Malignant lymphoma, large B-cell, diffuse. Review status: no classification provided. Collection method: in vitro. Allele origin: not applicable. Functional consequence: retained intron. Not counted in ClinVar's aggregate classification.

Dr. Peter K. Rogan Lab, Western University
No classification provided (evidence only). Condition: Adrenocortical carcinoma, hereditary. Review status: no classification provided. Collection method: in vitro. Allele origin: not applicable. Functional consequence: retained intron. Not counted in ClinVar's aggregate classification.

Dr. Peter K. Rogan Lab, Western University
No classification provided (evidence only). Condition: Adrenocortical carcinoma, hereditary. Review status: no classification provided. Collection method: in vitro. Allele origin: not applicable. Functional consequence: retained intron. Not counted in ClinVar's aggregate classification.